The following is an entry in ClinVar:

NM_001430.5(EPAS1):c.1344G>C (p.Gln448His)

Gene: EPAS1 (endothelial PAS domain protein 1; plus strand). Cytogenetic location: 2p21.
Variant type: single nucleotide variant.
Coding change: c.1344G>C on transcript NM_001430.5 (MANE Select); coding-DNA position 1344, G replaced by C.
Protein change: p.Gln448His; replaces glutamine 448 with histidine.
Molecular consequence: missense variant.
Genome position (GRCh38, 1-based): chr2:46,377,988, G>C. VCF-style: chr2-46377988-G-C. GRCh37 (hg19) VCF-style: chr2-46605127-G-C.
Other names: short protein forms Q448H.
Identifiers: ClinVar variation 2497568 (VCV002497568.2), dbSNP rs760600266, ClinGen allele CA1644956.

ClinVar aggregate classification (germline): Uncertain significance (1 of 4 stars; one submission).

Conditions:
Inborn genetic diseases. Identifiers: MedGen C0950123, MeSH D030342.

Allele frequency attached by ClinVar (database versions not stated): gnomAD exomes below 0.00001.
gnomAD v4.1: 4 of 1,580,128 alleles (0.00025%); highest among the groups gnomAD compares: Non-Finnish European, 0.00034%; no homozygotes.

Submission:

Ambry Genetics
Classification: Uncertain significance for Inborn genetic diseases. Last evaluated: 2022-12-19. Review status: criteria provided, single submitter. Criteria: Ambry Variant Classification Scheme 2023. Collection method: clinical testing. Allele origin: germline.
Comment: The p.Q448H variant (also known as c.1344G>C), located in coding exon 10 of the EPAS1 gene, results from a G to C substitution at nucleotide position 1344. The glutamine at codon 448 is replaced by histidine, an amino acid with highly similar properties. This amino acid position is conserved. In addition, this alteration is predicted to be tolerated by in silico analysis. Since supporting evidence is limited at this time, the clinical significance of this alteration remains unclear.